The following is an entry in ClinVar:

NM_000642.3(AGL):c.2617C>T (p.His873Tyr)

Gene: AGL (amylo-alpha-1,6-glucosidase and 4-alpha-glucanotransferase; plus strand). Cytogenetic location: 1p21.2.
Variant type: single nucleotide variant.
Coding change: c.2617C>T on transcript NM_000642.3 (MANE Select); coding-DNA position 2617, C replaced by T.
Protein change: p.His873Tyr; replaces histidine 873 with tyrosine.
Molecular consequence: missense variant. On other transcripts: intron variant (1).
Genome position (GRCh38, 1-based): chr1:99,884,639, C>T. VCF-style: chr1-99884639-C-T. GRCh37 (hg19) VCF-style: chr1-100350195-C-T.
Other names: c.2617C>T, p.His873Tyr (NM_000028.3, NM_000643.3, NM_000644.3 and 2 more transcripts); c.2569C>T, p.His857Tyr (NM_000646.3); c.2416C>T, p.His806Tyr (NM_001425327.1); c.2413C>T, p.His805Tyr (NM_001425328.1); c.2239C>T, p.His747Tyr (NM_001425332.1); c.2342+188C>T (NM_001425329.1); short protein forms H873Y, H806Y, H857Y, H747Y, H805Y.
Identifiers: ClinVar variation 3709374 (VCV003709374.2).

ClinVar aggregate classification (germline): Uncertain significance (1 of 4 stars; one submission).

Conditions:
Glycogen storage disease type III (GSD3). Also called: Cori disease; FORBES DISEASE. Identifiers: Orphanet 366, MedGen C0017922, MONDO:0009291, OMIM 232400.

gnomAD v4.1: 1 of 1,613,954 alleles (0.000062%); highest among the groups gnomAD compares: Non-Finnish European, 0.000085%; no homozygotes.

Submission:

Labcorp Genetics (formerly Invitae), Labcorp
Classification: Uncertain significance for Glycogen storage disease type III. Last evaluated: 2024-12-20. Review status: criteria provided, single submitter. Criteria: Invitae Variant Classification Sherloc (09022015). Collection method: clinical testing. Allele origin: germline.
Comment: This sequence change replaces histidine, which is basic and polar, with tyrosine, which is neutral and polar, at codon 873 of the AGL protein (p.His873Tyr). This variant is not present in population databases (gnomAD no frequency). This variant has not been reported in the literature in individuals affected with AGL-related conditions. An algorithm developed to predict the effect of missense changes on protein structure and function (PolyPhen-2) suggests that this variant is likely to be tolerated. In summary, the available evidence is currently insufficient to determine the role of this variant in disease. Therefore, it has been classified as a Variant of Uncertain Significance.